The following is an entry in ClinVar:

NM_001080467.3(MYO5B):c.4429G>A (p.Glu1477Lys)

Genes: MYO5B (myosin VB; minus strand), SNHG22 (small nucleolar RNA host gene 22; plus strand). Cytogenetic location: 18q21.1.
Variant type: single nucleotide variant.
Coding change: c.4429G>A on transcript NM_001080467.3 (MANE Select); coding-DNA position 4429, G replaced by A.
Protein change: p.Glu1477Lys; replaces glutamic acid 1477 with lysine.
Molecular consequence: missense variant.
Genome position (GRCh38, 1-based): chr18:49,847,176, C>T on the plus strand (G>A on the coding strand, the complement: MYO5B is on the minus strand). VCF-style: chr18-49847176-C-T. GRCh37 (hg19) VCF-style: chr18-47373546-C-T.
Other names: short protein forms E1477K.
Identifiers: ClinVar variation 1957940 (VCV001957940.4), dbSNP rs551829659, ClinGen allele CA299945374.

ClinVar aggregate classification (germline): Uncertain significance (1 of 4 stars; one submission).

Allele frequency attached by ClinVar (database versions not stated): TOPMed below 0.00001; gnomAD 0.00001; 1000 Genomes Project 30x 0.00016; 1000 Genomes Project 0.00020.
gnomAD v4.1: 7 of 1,614,120 alleles (0.00043%); highest among the groups gnomAD compares: Admixed American, 0.0017%; no homozygotes.

Submission:

Labcorp Genetics (formerly Invitae), Labcorp
Classification: Uncertain significance. Last evaluated: 2024-02-24. Review status: criteria provided, single submitter. Criteria: Invitae Variant Classification Sherloc (09022015). Collection method: clinical testing. Allele origin: germline.
Comment: This sequence change replaces glutamic acid, which is acidic and polar, with lysine, which is basic and polar, at codon 1477 of the MYO5B protein (p.Glu1477Lys). This variant is present in population databases (rs551829659, gnomAD 0.006%). This variant has not been reported in the literature in individuals affected with MYO5B-related conditions. ClinVar contains an entry for this variant (Variation ID: 1957940). Advanced modeling of protein sequence and biophysical properties (such as structural, functional, and spatial information, amino acid conservation, physicochemical variation, residue mobility, and thermodynamic stability) performed at Invitae indicates that this missense variant is expected to disrupt MYO5B protein function with a positive predictive value of 80%. In summary, the available evidence is currently insufficient to determine the role of this variant in disease. Therefore, it has been classified as a Variant of Uncertain Significance.